The following is an entry in ClinVar:

NM_003923.3(FOXH1):c.128C>T (p.Ala43Val)

Gene: FOXH1 (forkhead box H1; minus strand). Cytogenetic location: 8q24.3.
Variant type: single nucleotide variant.
Coding change: c.128C>T on transcript NM_003923.3 (MANE Select); coding-DNA position 128, C replaced by T.
Protein change: p.Ala43Val; replaces alanine 43 with valine.
Molecular consequence: missense variant.
Genome position (GRCh38, 1-based): chr8:144,475,629, G>A on the plus strand (C>T on the coding strand, the complement: FOXH1 is on the minus strand). VCF-style: chr8-144475629-G-A. GRCh37 (hg19) VCF-style: chr8-145701012-G-A.
Other names: c.128C>T (NM_003923.2); short protein forms A43V.
Identifiers: ClinVar variation 1402848 (VCV001402848.9), dbSNP rs1825126970, ClinGen allele CA372726087.

ClinVar aggregate classification (germline): Uncertain significance. Review status: criteria provided, multiple submitters, no conflicts (2 of 4 stars). 2 submissions from 2 submitters: Uncertain significance (2). Last evaluated 2025-02-03.

Conditions:
Holoprosencephaly sequence (HPE). Also called: Holoprosencephaly. Identifiers: Orphanet 2162, MedGen C0079541, MONDO:0016296, HP:0001360.

Allele frequency attached by ClinVar (database versions not stated): TOPMed 0.00002.
gnomAD v4.1: 2 of 1,442,302 alleles (0.00014%); highest among the groups gnomAD compares: Non-Finnish European, 0.00018%; no homozygotes.

Submissions (2):

GeneDx
Classification: Uncertain significance. Last evaluated: 2025-02-03. Review status: criteria provided, single submitter. Criteria: GeneDx Variant Classification Process June 2021. Collection method: clinical testing. Allele origin: germline. Affected: yes.
Comment: Not observed at significant frequency in large population cohorts (gnomAD); In silico analysis indicates that this missense variant does not alter protein structure/function; Has not been previously published as pathogenic or benign to our knowledge

Labcorp Genetics (formerly Invitae), Labcorp
Classification: Uncertain significance for Holoprosencephaly sequence. Last evaluated: 2020-12-14. Review status: criteria provided, single submitter. Criteria: Invitae Variant Classification Sherloc (09022015). Collection method: clinical testing. Allele origin: germline.
Comment: In summary, the available evidence is currently insufficient to determine the role of this variant in disease. Therefore, it has been classified as a Variant of Uncertain Significance. Algorithms developed to predict the effect of missense changes on protein structure and function (SIFT, PolyPhen-2, Align-GVGD) all suggest that this variant is likely to be disruptive, but these predictions have not been confirmed by published functional studies and their clinical significance is uncertain. This variant has not been reported in the literature in individuals with FOXH1-related conditions. This variant is not present in population databases (ExAC no frequency). This sequence change replaces alanine with valine at codon 43 of the FOXH1 protein (p.Ala43Val). The alanine residue is highly conserved and there is a small physicochemical difference between alanine and valine.